The following is an entry in ClinVar:

ClinVar aggregate classification (germline): Uncertain significance (1 of 4 stars; one submission).

Conditions:
Idiopathic generalized epilepsy. Also called: Generalised epilepsy; EIG. Identifiers: MedGen C0270850, MONDO:0005579, OMIM 600669.

Submission:

Labcorp Genetics (formerly Invitae), Labcorp
Classification: Uncertain significance for Idiopathic generalized epilepsy. Last evaluated: 2022-06-08. Review status: criteria provided, single submitter. Criteria: Invitae Variant Classification Sherloc (09022015). Collection method: clinical testing. Allele origin: germline.
Comment: In summary, the available evidence is currently insufficient to determine the role of this variant in disease. Therefore, it has been classified as a Variant of Uncertain Significance. Algorithms developed to predict the effect of sequence changes on RNA splicing suggest that this variant may disrupt the consensus splice site. Algorithms developed to predict the effect of missense changes on protein structure and function (SIFT, PolyPhen-2, Align-GVGD) all suggest that this variant is likely to be tolerated. This variant has not been reported in the literature in individuals affected with GABRD-related conditions. This variant is not present in population databases (gnomAD no frequency). This sequence change replaces glycine, which is neutral and non-polar, with valine, which is neutral and non-polar, at codon 405 of the GABRD protein (p.Gly405Val).

NM_000815.5(GABRD):c.1214G>T (p.Gly405Val)

Gene: GABRD (gamma-aminobutyric acid type A receptor subunit delta; plus strand). Cytogenetic location: 1p36.33.
Variant type: single nucleotide variant.
Coding change: c.1214G>T on transcript NM_000815.5 (MANE Select); coding-DNA position 1214, G replaced by T.
Protein change: p.Gly405Val; replaces glycine 405 with valine.
Molecular consequence: missense variant.
Genome position (GRCh38, 1-based): chr1:2,030,137, G>T. VCF-style: chr1-2030137-G-T. GRCh37 (hg19) VCF-style: chr1-1961576-G-T.
Other names: short protein forms G405V.
Identifiers: ClinVar variation 1998988 (VCV001998988.4), dbSNP rs766337060, ClinGen allele CA337960806.